The following is an entry in ClinVar:

ClinVar aggregate classification (germline): Uncertain significance (1 of 4 stars; one submission).

gnomAD v4.1: 1 of 1,614,182 alleles (0.000062%); highest among the groups gnomAD compares: Non-Finnish European, 0.000085%; no homozygotes.

Submission:

CeGaT Center for Human Genetics Tuebingen
Classification: Uncertain significance. Last evaluated: 2023-11-01. Review status: criteria provided, single submitter. Criteria: CeGaT Center For Human Genetics Tuebingen Variant Classification Criteria Version 2. Collection method: clinical testing. Allele origin: germline. Affected: yes. Observed: 1 variant allele.
Comment: ADA2: PM2

NM_001282225.2(ADA2):c.608T>G (p.Val203Gly)

Gene: ADA2 (adenosine deaminase 2; minus strand). Cytogenetic location: 22q11.1.
Variant type: single nucleotide variant.
Coding change: c.608T>G on transcript NM_001282225.2 (MANE Select); coding-DNA position 608, T replaced by G.
Protein change: p.Val203Gly; replaces valine 203 with glycine.
Molecular consequence: missense variant.
Genome position (GRCh38, 1-based): chr22:17,203,708, A>C on the plus strand (T>G on the coding strand, the complement: ADA2 is on the minus strand). VCF-style: chr22-17203708-A-C. GRCh37 (hg19) VCF-style: chr22-17684598-A-C.
Other names: c.608T>G, p.Val203Gly (NM_001282226.2); c.482T>G, p.Val161Gly (NM_001282227.2, NM_001282228.2); c.248T>G, p.Val83Gly (NM_001282229.2); short protein forms V161G, V203G, V83G.
Identifiers: ClinVar variation 2672892 (VCV002672892.23), dbSNP rs1340031421, ClinGen allele CA410228586.